The following is an entry in ClinVar:

NM_020247.5(COQ8A):c.1280TCT[1] (p.Phe428del)

Gene: COQ8A (coenzyme Q8A; plus strand). Cytogenetic location: 1q42.13.
Variant type: Microsatellite.
Coding change: c.1280TCT[1] on transcript NM_020247.5 (MANE Select); one copy of the 3-base unit TCT starting at c.1280; the reference has two copies in a row; one copy, 3 bases deleted; also written c.1283_1285del.
Protein change: p.Phe428del; deletes phenylalanine 428.
Molecular consequence: inframe deletion.
Genome position (GRCh38, 1-based): chr1:226,984,120-226,984,122, TCT deleted; deleting any 3 consecutive bases within chr1:226,984,115-226,984,122 gives the same sequence; the position shown is the placement nearest the transcript's 3' end. VCF-style (leftmost placement, unchanged base first): chr1-226984114-CCTT-C. GRCh37 (hg19) VCF-style: chr1-227171815-CCTT-C.
Other names: p.Phe428del; c.1283_1285del (NM_020247.5); short protein forms F428del.
Identifiers: ClinVar variation 4542297 (VCV004542297.1).

ClinVar aggregate classification (germline): Uncertain significance (1 of 4 stars; one submission).

Submission:

Mayo Clinic Laboratories, Mayo Clinic
Classification: Uncertain significance. Last evaluated: 2025-10-07. Review status: criteria provided, single submitter. Criteria: ACMG Guidelines, 2015. Collection method: clinical testing. Allele origin: germline. Observed: 1 variant allele.
Comment: PM2_supporting, PM4